The following is an entry in ClinVar:

ClinVar aggregate classification (germline): Uncertain significance. Review status: criteria provided, multiple submitters, no conflicts (2 of 4 stars). 2 submissions from 2 submitters: Uncertain significance (2). Last evaluated 2025-01-27.

Conditions:
Birt-Hogg-Dube syndrome. Also called: Birt Hogg Dubé syndrome. Identifiers: Orphanet 122, MedGen C0346010, MONDO:0800444.
Hereditary cancer-predisposing syndrome. Also called: Neoplastic Syndromes, Hereditary; Hereditary Cancer Syndrome; Tumor predisposition; Hereditary neoplastic syndrome. Identifiers: Orphanet 140162, MedGen C0027672, MeSH D009386, MONDO:0015356.

Allele frequency attached by ClinVar (database versions not stated): TOPMed below 0.00001; gnomAD 0.00001.
gnomAD v4.1: 11 of 1,613,372 alleles (0.00068%); highest among the groups gnomAD compares: East Asian, 0.0022%; no homozygotes.

Submissions (2):

Labcorp Genetics (formerly Invitae), Labcorp
Classification: Uncertain significance for Birt-Hogg-Dube syndrome. Last evaluated: 2025-01-27. Review status: criteria provided, single submitter. Criteria: Invitae Variant Classification Sherloc (09022015). Collection method: clinical testing. Allele origin: germline.
Comment: This sequence change replaces arginine, which is basic and polar, with histidine, which is basic and polar, at codon 17 of the FLCN protein (p.Arg17His). This variant is present in population databases (no rsID available, gnomAD 0.0009%). This missense change has been observed in individual(s) with renal cell carcinoma (PMID: 35441217). ClinVar contains an entry for this variant (Variation ID: 2053445). Invitae Evidence Modeling of protein sequence and biophysical properties (such as structural, functional, and spatial information, amino acid conservation, physicochemical variation, residue mobility, and thermodynamic stability) indicates that this missense variant is not expected to disrupt FLCN protein function with a negative predictive value of 80%. In summary, the available evidence is currently insufficient to determine the role of this variant in disease. Therefore, it has been classified as a Variant of Uncertain Significance.

Ambry Genetics
Classification: Uncertain significance for Hereditary cancer-predisposing syndrome. Last evaluated: 2024-02-10. Review status: criteria provided, single submitter. Criteria: Ambry Variant Classification Scheme 2023. Collection method: clinical testing. Allele origin: germline.
Comment: The p.R17H variant (also known as c.50G>A), located in coding exon 1 of the FLCN gene, results from a G to A substitution at nucleotide position 50. The arginine at codon 17 is replaced by histidine, an amino acid with highly similar properties. This amino acid position is highly conserved in available vertebrate species. In addition, this alteration is predicted to be deleterious by in silico analysis. Based on the available evidence, the clinical significance of this alteration remains unclear.

Literature cited by the submitters: PubMed 35441217 (cited by Labcorp Genetics (formerly Invitae), Labcorp).

NM_144997.7(FLCN):c.50G>A (p.Arg17His)

Gene: FLCN (folliculin; minus strand). Cytogenetic location: 17p11.2.
Variant type: single nucleotide variant.
Coding change: c.50G>A on transcript NM_144997.7 (MANE Select); coding-DNA position 50, G replaced by A.
Protein change: p.Arg17His; replaces arginine 17 with histidine.
Molecular consequence: missense variant.
Genome position (GRCh38, 1-based): chr17:17,228,088, C>T on the plus strand (G>A on the coding strand, the complement: FLCN is on the minus strand). VCF-style: chr17-17228088-C-T. GRCh37 (hg19) VCF-style: chr17-17131402-C-T.
Other names: c.50G>A, p.Arg17His (NM_001353229.2, NM_001353230.2, NM_001353231.2 and 1 more transcripts); short protein forms R17H.
Identifiers: ClinVar variation 2053445 (VCV002053445.5), dbSNP rs398124537, ClinGen allele CA398535429.